The following is an entry in ClinVar:

NM_170606.3(KMT2C):c.925C>T (p.Pro309Ser)

Gene: KMT2C (lysine methyltransferase 2C; minus strand). Cytogenetic location: 7q36.1.
Variant type: single nucleotide variant.
Coding change: c.925C>T on transcript NM_170606.3 (MANE Select); coding-DNA position 925, C replaced by T.
Protein change: p.Pro309Ser; replaces proline 309 with serine.
Molecular consequence: missense variant.
Genome position (GRCh38, 1-based): chr7:152,273,792, G>A on the plus strand (C>T on the coding strand, the complement: KMT2C is on the minus strand). VCF-style: chr7-152273792-G-A. GRCh37 (hg19) VCF-style: chr7-151970877-G-A.
Other names: short protein forms P309S.
Identifiers: ClinVar variation 1120223 (VCV001120223.4), dbSNP rs138627563, ClinGen allele CA169231566.

ClinVar aggregate classification (germline): Uncertain significance (0 of 4 stars; one submission).

Conditions:
Tip-toe gait. Also called: Toe walking. Identifiers: MedGen C0427144, HP:0030051.

Allele frequency attached by ClinVar (database versions not stated): gnomAD exomes 0.00570; ExAC 0.11133.

Submission:

Practice for Gait Abnormalities, David Pomarino, Competency Network Toe Walking C/o Practice Pomarino
Classification: Uncertain significance for Tip-toe gait. Last evaluated: 2021-02-15. Review status: no assertion criteria provided. Collection method: clinical testing. Allele origin: unknown. Affected: yes.
Comment: Hereditary motor sensory neuropathy (HMSN), also known as Charcot-Marie-Tooth Disease (CMT), is the most commonly inherited peripheral polyneuropathy. It constitutes a group of inherited, progressive, motor and sensory peripheral nerve disorders with properties of demyelination, axonal degeneration, or both. It is classified by clinical characteristics, modes of inheritance, electrophysiologic features, metabolic defects, and specific gene markers. Our patients all walk on tiptoe, so they show similar symptoms. When we genetically test them with our toe walking panel, we find that around 90 per cent of them have a genetic variant that explains their toe walking. These can be assigned, for example, to the area of myopathies (such as variants of the COL6A3 gene), the area of hereditary neuropathies (such as variants of the KMT2C gene) or the area of metabolic diseases (such as variants of the PYGM gene). In a smaller group of patients with almost identical symptoms, no abnormality is found in the genes of our panel, but spastic paraplegia can be detected. In another small group of our toe walkers, no abnormalities can be detected in the genes analysed in our toe walking panel, nor do they suffer from spastic paraplegia, as is also the case with healthy children. In contrast to these, however, they show a tiptoe gait. These patients suffer from infantile cerebral palsy, in which toe walking can also be observed.

Literature cited by the submitters: PubMed 37091313.